The following is an entry in ClinVar:

ClinVar aggregate classification (germline): Uncertain significance. Review status: criteria provided, multiple submitters, no conflicts (2 of 4 stars). 2 submissions from 2 submitters: Uncertain significance (2). Last evaluated 2024-01-08.

Allele frequency attached by ClinVar (database versions not stated): gnomAD 0.00001; gnomAD exomes 0.00001; TOPMed 0.00002.
gnomAD v4.1: 20 of 1,611,656 alleles (0.0012%); highest among the groups gnomAD compares: South Asian, 0.0055%; no homozygotes.

Submissions (2):

Labcorp Genetics (formerly Invitae), Labcorp
Classification: Uncertain significance. Last evaluated: 2024-01-08. Review status: criteria provided, single submitter. Criteria: Invitae Variant Classification Sherloc (09022015). Collection method: clinical testing. Allele origin: germline.
Comment: This sequence change replaces arginine, which is basic and polar, with cysteine, which is neutral and slightly polar, at codon 509 of the BACH2 protein (p.Arg509Cys). This variant is present in population databases (no rsID available, gnomAD 0.003%). This variant has not been reported in the literature in individuals affected with BACH2-related conditions. ClinVar contains an entry for this variant (Variation ID: 1948576). Advanced modeling of protein sequence and biophysical properties (such as structural, functional, and spatial information, amino acid conservation, physicochemical variation, residue mobility, and thermodynamic stability) performed at Invitae indicates that this missense variant is not expected to disrupt BACH2 protein function with a negative predictive value of 80%. In summary, the available evidence is currently insufficient to determine the role of this variant in disease. Therefore, it has been classified as a Variant of Uncertain Significance.

Blueprint Genetics
Classification: Uncertain significance. Last evaluated: 2022-04-05. Review status: criteria provided, single submitter. Criteria: ACMG Guidelines, 2015. Collection method: clinical testing. Allele origin: germline.

NM_021813.4(BACH2):c.1525C>T (p.Arg509Cys)

Gene: BACH2 (BACH transcriptional regulator 2; minus strand). Cytogenetic location: 6q15.
Variant type: single nucleotide variant.
Coding change: c.1525C>T on transcript NM_021813.4 (MANE Select); coding-DNA position 1525, C replaced by T.
Protein change: p.Arg509Cys; replaces arginine 509 with cysteine.
Molecular consequence: missense variant.
Genome position (GRCh38, 1-based): chr6:89,950,581, G>A on the plus strand (C>T on the coding strand, the complement: BACH2 is on the minus strand). VCF-style: chr6-89950581-G-A. GRCh37 (hg19) VCF-style: chr6-90660300-G-A.
Other names: c.1525C>T, p.Arg509Cys (NM_001170794.2); short protein forms R509C.
Identifiers: ClinVar variation 1948576 (VCV001948576.6), dbSNP rs951978287, ClinGen allele CA143342161.